The following is an entry in ClinVar:

ClinVar aggregate classification (germline): Uncertain significance (1 of 4 stars; one submission).

Conditions:
Cardiovascular phenotype. Identifiers: MedGen CN230736.

Submission:

Ambry Genetics
Classification: Uncertain significance for Cardiovascular phenotype. Last evaluated: 2023-10-08. Review status: criteria provided, single submitter. Criteria: Ambry Variant Classification Scheme 2023. Collection method: clinical testing. Allele origin: germline.
Comment: The p.K1003R variant (also known as c.3008A>G), located in coding exon 19 of the SOS1 gene, results from an A to G substitution at nucleotide position 3008. The lysine at codon 1003 is replaced by arginine, an amino acid with highly similar properties. This amino acid position is conserved. In addition, this alteration is predicted to be tolerated by in silico analysis. Since supporting evidence is limited at this time, the clinical significance of this alteration remains unclear.

NM_005633.4(SOS1):c.3008A>G (p.Lys1003Arg)

Gene: SOS1 (SOS Ras/Rac guanine nucleotide exchange factor 1; minus strand). Cytogenetic location: 2p22.1.
Variant type: single nucleotide variant.
Coding change: c.3008A>G on transcript NM_005633.4 (MANE Select); coding-DNA position 3008, A replaced by G.
Protein change: p.Lys1003Arg; replaces lysine 1003 with arginine.
Molecular consequence: missense variant.
Genome position (GRCh38, 1-based): chr2:38,996,995, T>C on the plus strand (A>G on the coding strand, the complement: SOS1 is on the minus strand). VCF-style: chr2-38996995-T-C. GRCh37 (hg19) VCF-style: chr2-39224136-T-C.
Other names: c.2987A>G, p.Lys996Arg (NM_001382394.1); c.3008A>G, p.Lys1003Arg (NM_001382395.1); short protein forms K1003R, K996R.
Identifiers: ClinVar variation 3224884 (VCV003224884.1), dbSNP rs1462821963, ClinGen allele CA346361451.